The following is an entry in ClinVar:

ClinVar aggregate classification (germline): Uncertain significance. Review status: criteria provided, multiple submitters, no conflicts (2 of 4 stars). 2 submissions from 2 submitters: Uncertain significance (2). Last evaluated 2025-10-01.

Conditions:
Inborn genetic diseases. Identifiers: MedGen C0950123, MeSH D030342.

Allele frequency attached by ClinVar (database versions not stated): gnomAD exomes below 0.00001 and 0.00001.
gnomAD v4.1: 6 of 1,614,114 alleles (0.00037%); highest among the groups gnomAD compares: Admixed American, 0.005%; no homozygotes.

Submissions (2):

Labcorp Genetics (formerly Invitae), Labcorp
Classification: Uncertain significance. Last evaluated: 2025-10-01. Review status: criteria provided, single submitter. Criteria: Invitae Variant Classification Sherloc (09022015). Collection method: clinical testing. Allele origin: germline.
Comment: This sequence change replaces alanine, which is neutral and non-polar, with valine, which is neutral and non-polar, at codon 142 of the UCHL1 protein (p.Ala142Val). This variant is present in population databases (no rsID available, gnomAD 0.003%). This variant has not been reported in the literature in individuals affected with UCHL1-related conditions. ClinVar contains an entry for this variant (Variation ID: 1407159). An algorithm developed to predict the effect of missense changes on protein structure and function (PolyPhen-2) suggests that this variant is likely to be tolerated. In summary, the available evidence is currently insufficient to determine the role of this variant in disease. Therefore, it has been classified as a Variant of Uncertain Significance.

Ambry Genetics
Classification: Uncertain significance for Inborn genetic diseases. Last evaluated: 2021-06-18. Review status: criteria provided, single submitter. Criteria: Ambry Variant Classification Scheme 2023. Collection method: clinical testing. Allele origin: germline.

NM_004181.5(UCHL1):c.425C>T (p.Ala142Val)

Gene: UCHL1 (ubiquitin C-terminal hydrolase L1; plus strand). Cytogenetic location: 4p13.
Variant type: single nucleotide variant.
Coding change: c.425C>T on transcript NM_004181.5 (MANE Select); coding-DNA position 425, C replaced by T.
Protein change: p.Ala142Val; replaces alanine 142 with valine.
Molecular consequence: missense variant.
Genome position (GRCh38, 1-based): chr4:41,261,889, C>T. VCF-style: chr4-41261889-C-T. GRCh37 (hg19) VCF-style: chr4-41263906-C-T.
Other names: c.425C>T (NM_004181.4); short protein forms A142V.
Identifiers: ClinVar variation 1407159 (VCV001407159.7), dbSNP rs900235906, ClinGen allele CA95781112.